The following is an entry in ClinVar:

NM_139027.6(ADAMTS13):c.2428G>A (p.Val810Met)

Gene: ADAMTS13 (ADAM metallopeptidase with thrombospondin type 1 motif 13; plus strand). Cytogenetic location: 9q34.2.
Variant type: single nucleotide variant.
Coding change: c.2428G>A on transcript NM_139027.6 (MANE Select); coding-DNA position 2428, G replaced by A.
Protein change: p.Val810Met; replaces valine 810 with methionine.
Molecular consequence: missense variant. On other transcripts: non-coding transcript variant (1).
Genome position (GRCh38, 1-based): chr9:133,444,870, G>A. VCF-style: chr9-133444870-G-A. GRCh37 (hg19) VCF-style: chr9-136309991-G-A.
Other names: p.Val810Met; c.2335G>A, p.Val779Met (NM_139026.6); c.2428G>A, p.Val810Met (NM_139025.5); short protein forms V779M, V810M.
Identifiers: ClinVar variation 4541508 (VCV004541508.1).

ClinVar aggregate classification (germline): Uncertain significance (1 of 4 stars; one submission).

gnomAD v4.1: 2 of 1,612,850 alleles (0.00012%); highest among the groups gnomAD compares: African/African-American, 0.0013%; no homozygotes.

Submission:

Mayo Clinic Laboratories, Mayo Clinic
Classification: Uncertain significance. Last evaluated: 2025-10-07. Review status: criteria provided, single submitter. Criteria: ACMG Guidelines, 2015. Collection method: clinical testing. Allele origin: germline. Observed: 1 variant allele.
Comment: BP4_moderate, PM2_supporting